The following is an entry in ClinVar:

ClinVar aggregate classification (germline): Benign (0 of 4 stars; one submission).

Conditions:
ZNF142-related disorder. Also called: ZNF142-related condition.

Allele frequency attached by ClinVar (database versions not stated): ExAC 0.00386; gnomAD 0.01257; ESP Exome Variant Server 0.01350; TOPMed 0.01414; gnomAD exomes 0.00116; 1000 Genomes Project 0.01338; 1000 Genomes Project 30x 0.01405.
gnomAD v4.1: 3,659 of 1,613,642 alleles (0.23%); highest among the groups gnomAD compares: African/African-American, 4.3%; 83 homozygotes.

Submission:

PreventionGenetics, part of Exact Sciences
Classification: Benign for ZNF142-related condition. Last evaluated: 2024-03-29. Review status: no assertion criteria provided. Collection method: clinical testing. Allele origin: germline.
Comment: This variant is classified as benign based on ACMG/AMP sequence variant interpretation guidelines (Richards et al. 2015 PMID: 25741868, with internal and published modifications).

NM_001379659.1(ZNF142):c.4173G>A (p.Arg1391=)

Gene: ZNF142 (zinc finger protein 142; minus strand). Cytogenetic location: 2q35.
Variant type: single nucleotide variant.
Coding change: c.4173G>A on transcript NM_001379659.1 (MANE Select); coding-DNA position 4173, G replaced by A.
Protein change: p.Arg1391=; no amino-acid change (arginine 1391 retained).
Molecular consequence: synonymous variant.
Genome position (GRCh38, 1-based): chr2:218,642,943, C>T on the plus strand (G>A on the coding strand, the complement: ZNF142 is on the minus strand). VCF-style: chr2-218642943-C-T. GRCh37 (hg19) VCF-style: chr2-219507666-C-T.
Other names: c.3573G>A, p.Arg1191= (NM_001105537.5, NM_001366291.3, NM_001379662.1); c.3084G>A, p.Arg1028= (NM_001366287.3, NM_001366288.3, NM_001366289.3); c.4173G>A, p.Arg1391= (NM_001366290.3, NM_001379660.1, NM_001379661.1).
Identifiers: ClinVar variation 3055973 (VCV003055973.2), dbSNP rs61733613, ClinGen allele CA2108841.